The following is an entry in ClinVar:

NM_001006658.3(CR2):c.2454dup (p.Leu819fs)

Gene: CR2 (complement C3d receptor 2; plus strand). Cytogenetic location: 1q32.2.
Variant type: Duplication.
Coding change: c.2454dup on transcript NM_001006658.3 (MANE Select); coding-DNA position 2454, one base duplicated (A; older notation c.2454dupA).
Protein change: p.Leu819fs; shifts the reading frame from leucine 819.
Molecular consequence: frameshift variant.
Genome position (GRCh38, 1-based): chr1:207,474,954, A duplicated; the last of 6 consecutive A bases (chr1:207,474,949-207,474,954); duplicating any one gives the same sequence. VCF-style (leftmost placement, unchanged base first): chr1-207474948-G-GA. GRCh37 (hg19) VCF-style: chr1-207648293-G-GA.
Other names: c.2277dup, p.Leu760fs (NM_001877.5); short protein forms L760fs, L819fs.
Identifiers: ClinVar variation 3696802 (VCV003696802.3).
Genomic context (GRCh38, chr1:207,474,948, plus strand): 5'-CTTTCTATATGGAAATGAAGTCTCTTATGAATGTGACCAAGGATTCTATCTCCTGGGAGA[G>GA]AAAAAATTGCAGTGCAGAAGTGATTCTAAAGGACATGGATCTTGGAGCGGGCCTTCCCCA-3'

ClinVar aggregate classification (germline): Pathogenic/Likely pathogenic. Review status: criteria provided, multiple submitters, no conflicts (2 of 4 stars). 2 submissions from 2 submitters: Pathogenic (1); Likely pathogenic (1). Last evaluated 2024-05-14.

Conditions:
Immunodeficiency, common variable, 7. Identifiers: Orphanet 1572, Orphanet 696894, MedGen C3542922, MONDO:0013862, OMIM 614699.
CR2-related disorder. Also called: CR2-related condition; CR2-related disorders.

Submissions (2):

Blueprint Genetics
Classification: Likely pathogenic for CR2-related disorders. Last evaluated: 2024-05-14. Review status: criteria provided, single submitter. Criteria: ACMG Guidelines, 2015. Collection method: clinical testing. Allele origin: germline. Affected: yes. Observed: 1 variant allele.

Labcorp Genetics (formerly Invitae), Labcorp
Classification: Pathogenic for Immunodeficiency, common variable, 7. Last evaluated: 2024-02-06. Review status: criteria provided, single submitter. Criteria: Invitae Variant Classification Sherloc (09022015). Collection method: clinical testing. Allele origin: germline.
Comment: This sequence change creates a premature translational stop signal (p.Leu819Ilefs*6) in the CR2 gene. It is expected to result in an absent or disrupted protein product. Loss-of-function variants in CR2 are known to be pathogenic (PMID: 26325596, 28499783). This variant is not present in population databases (gnomAD no frequency). This variant has not been reported in the literature in individuals affected with CR2-related conditions. For these reasons, this variant has been classified as Pathogenic.

Literature cited by the submitters: PubMed 26325596 (cited by Labcorp Genetics (formerly Invitae), Labcorp); PubMed 28499783 (cited by Labcorp Genetics (formerly Invitae), Labcorp).